The following is an entry in ClinVar:

NM_138694.4(PKHD1):c.10597G>T (p.Ala3533Ser)

Gene: PKHD1 (PKHD1 ciliary IPT domain containing fibrocystin/polyductin; minus strand). Cytogenetic location: 6p12.3.
Variant type: single nucleotide variant.
Coding change: c.10597G>T on transcript NM_138694.4 (MANE Select); coding-DNA position 10597, G replaced by T.
Protein change: p.Ala3533Ser; replaces alanine 3533 with serine.
Molecular consequence: missense variant.
Genome position (GRCh38, 1-based): chr6:51,659,529, C>A on the plus strand (G>T on the coding strand, the complement: PKHD1 is on the minus strand). VCF-style: chr6-51659529-C-A. GRCh37 (hg19) VCF-style: chr6-51524327-C-A.
Other names: short protein forms A3533S.
Identifiers: ClinVar variation 4988268 (VCV004988268.1).
Genomic context (GRCh38, chr6:51,659,529, plus strand): 5'-TGGGCTCCTCTCCTTGTAGGACAACATACAAGAGGTTATCCATGATGTTGAAATAGTTGG[C>A]ACCAATAGATTCATTCAGCAATAAGGAAGCTGACTGAACCAGAGTGGGTGGAATAAAACT-3'
Protein context (NP_619639.3, residues 3523-3543): ASLLLNESIG[Ala3533Ser]NYFNIMDNLL

ClinVar aggregate classification (germline): Uncertain significance (1 of 4 stars; one submission).

Conditions:
PKHD1-related disorder. Also called: PKHD1-related condition.

gnomAD v4.1: 9 of 1,613,560 alleles (0.00056%); highest among the groups gnomAD compares: African/African-American, 0.0013%; no homozygotes.

Submission:

PreventionGenetics, part of Exact Sciences
Classification: Uncertain significance for PKHD1-related condition. Last evaluated: 2026-02-19. Review status: criteria provided, single submitter. Criteria: ACMG Guidelines, 2015. Collection method: clinical testing. Allele origin: germline.
Comment: The PKHD1 c.10597G>T variant is predicted to result in the amino acid substitution p.Ala3533Ser. To our knowledge, this variant has not been reported in the literature. This variant is reported in 0.0062% of alleles in individuals of African descent in gnomAD. At this time, the clinical significance of this variant is uncertain due to the absence of conclusive functional and genetic evidence.